The following is an entry in ClinVar:

ClinVar aggregate classification (germline): Conflicting classifications of pathogenicity. Review status: criteria provided, conflicting classifications (1 of 4 stars). 7 submissions from 7 submitters: Uncertain significance (1); Benign (2); Likely benign (4). Last evaluated 2026-01-26.

Conditions:
Neuronal ceroid lipofuscinosis. Also called: Neuronal Ceroid Lipofuscinoses. Identifiers: Orphanet 216, Orphanet 79263, MedGen C0027877, MONDO:0016295. Disease mechanism: loss of function.

Allele frequency attached by ClinVar (database versions not stated): TOPMed 0.00028; 1000 Genomes Project 30x 0.00031; gnomAD 0.00039 and 0.00041; 1000 Genomes Project 0.00040; gnomAD exomes 0.00040; ExAC 0.00048; ESP Exome Variant Server 0.00054.
gnomAD v4.1: 856 of 1,614,060 alleles (0.053%); highest among the groups gnomAD compares: South Asian, 0.12%; 2 homozygotes.

Submissions (7):

Labcorp Genetics (formerly Invitae), Labcorp
Classification: Likely benign for Neuronal ceroid lipofuscinosis. Last evaluated: 2026-01-26. Review status: criteria provided, single submitter. Criteria: Invitae Variant Classification Sherloc (09022015). Collection method: clinical testing. Allele origin: germline.

Blueprint Genetics
Classification: Likely benign. Last evaluated: 2024-09-30. Review status: criteria provided, single submitter. Criteria: ACMG Guidelines, 2015. Collection method: clinical testing. Allele origin: germline.

ARUP Laboratories, Molecular Genetics and Genomics, ARUP Laboratories
Classification: Benign. Last evaluated: 2024-08-29. Review status: criteria provided, single submitter. Criteria: ARUP Molecular Germline Variant Investigation Process 2024. Collection method: clinical testing. Allele origin: germline.

CeGaT Center for Human Genetics Tuebingen
Classification: Likely benign. Last evaluated: 2022-08-01. Review status: criteria provided, single submitter. Criteria: CeGaT Center For Human Genetics Tuebingen Variant Classification Criteria Version 2. Collection method: clinical testing. Allele origin: germline. Affected: yes. Observed: 1 variant allele.
Comment: CLN6: BP4, BP7

Illumina Laboratory Services, Illumina
Classification: Uncertain significance for Neuronal ceroid lipofuscinosis. Last evaluated: 2017-04-27. Review status: criteria provided, single submitter. Criteria: ICSL Variant Classification Criteria 13 December 2019. Collection method: clinical testing. Allele origin: germline.

Athena Diagnostics
Classification: Likely benign. Last evaluated: 2016-12-20. Review status: criteria provided, single submitter. Criteria: Athena Diagnostics Criteria. Collection method: clinical testing. Allele origin: germline.

GeneDx
Classification: Benign. Last evaluated: 2013-10-22. Review status: criteria provided, single submitter. Criteria: GeneDx Variant Classification (06012015). Collection method: clinical testing. Allele origin: germline. Affected: yes.
Comment: This variant is considered likely benign or benign based on one or more of the following criteria: it is a conservative change, it occurs at a poorly conserved position in the protein, it is predicted to be benign by multiple in silico algorithms, and/or has population frequency not consistent with disease.

Literature cited by the submitters: PubMed 17046213 (cited by Athena Diagnostics); PubMed 17988881 (cited by Athena Diagnostics).

NM_017882.3(CLN6):c.822G>A (p.Ala274=)

Gene: CLN6 (CLN6 transmembrane ER protein; minus strand). Cytogenetic location: 15q23.
Variant type: single nucleotide variant.
Coding change: c.822G>A on transcript NM_017882.3 (MANE Select); coding-DNA position 822, G replaced by A.
Protein change: p.Ala274=; no amino-acid change (alanine 274 retained).
Molecular consequence: synonymous variant.
Genome position (GRCh38, 1-based): chr15:68,208,254, C>T on the plus strand (G>A on the coding strand, the complement: CLN6 is on the minus strand). VCF-style: chr15-68208254-C-T. GRCh37 (hg19) VCF-style: chr15-68500592-C-T.
Other names: p.A274A:GCG>GCA.
Identifiers: ClinVar variation 136801 (VCV000136801.42), dbSNP rs151186473, ClinGen allele CA290150.